The following is an entry in ClinVar:

NM_000257.4(MYH7):c.2424-5T>C

Genes: MYH7 (myosin heavy chain 7; minus strand), LOC126861898 (BRD4-independent group 4 enhancer GRCh37_chr14:23893609-23894808; plus strand). Cytogenetic location: 14q11.2.
Variant type: single nucleotide variant.
Coding change: c.2424-5T>C on transcript NM_000257.4 (MANE Select); 5 bases into the intron before coding-DNA position 2424, T replaced by C.
Molecular consequence: intron variant.
Genome position (GRCh38, 1-based): chr14:23,425,029, A>G on the plus strand (T>C on the coding strand, the complement: MYH7 is on the minus strand). VCF-style: chr14-23425029-A-G. GRCh37 (hg19) VCF-style: chr14-23894238-A-G.
Identifiers: ClinVar variation 42903 (VCV000042903.16), dbSNP rs397516146, ClinGen allele CA012324.

ClinVar aggregate classification (germline): Conflicting classifications of pathogenicity. Review status: criteria provided, conflicting classifications (1 of 4 stars). 5 submissions from 5 submitters: Uncertain significance (3); Likely benign (2). Last evaluated 2025-09-19.

Conditions:
Cardiovascular phenotype. Identifiers: MedGen CN230736.
Cardiomyopathy (CMYO). Also called: Cardiomyopathies. Identifiers: Orphanet 167848, MedGen C0878544, MONDO:0004994, HP:0001638. Inheritance: Various modes of inheritance.
Hypertrophic cardiomyopathy. Also called: HYPERTROPHIC MYOCARDIOPATHY. Identifiers: Orphanet 217569, MedGen C0007194, MeSH D002312, MONDO:0005045, HP:0001639.

Allele frequency attached by ClinVar (database versions not stated): gnomAD exomes below 0.00001 and 0.00001.
gnomAD v4.1: 10 of 1,614,180 alleles (0.00062%); highest among the groups gnomAD compares: Non-Finnish European, 0.00076%; no homozygotes.

Submissions (5):

Labcorp Genetics (formerly Invitae), Labcorp
Classification: Likely benign for Hypertrophic cardiomyopathy. Last evaluated: 2025-09-19. Review status: criteria provided, single submitter. Criteria: Invitae Variant Classification Sherloc (09022015). Collection method: clinical testing. Allele origin: germline.

Color Diagnostics, LLC DBA Color Health
Classification: Likely benign for Cardiomyopathy. Last evaluated: 2025-09-04. Review status: criteria provided, single submitter. Criteria: ACMG Guidelines, 2015. Collection method: clinical testing. Allele origin: germline.

All of Us Research Program, National Institutes of Health
Classification: Uncertain significance for Cardiomyopathy. Last evaluated: 2023-06-26. Review status: criteria provided, single submitter. Criteria: ACMG Guidelines, 2015. Collection method: clinical testing. Allele origin: germline. Inheritance: Autosomal dominant inheritance. Observed: 1 variant allele, 1 heterozygote.
Comment: This variant causes a T to C nucleotide substitution at the -5 position of intron 21 of the MYH7 gene. To our knowledge, functional studies have not been reported for this variant. This variant has been reported in an individual affected with hypertrophic cardiomyopathy (PMID: 25611685). This variant has been identified in 1/251332 chromosomes in the general population by the Genome Aggregation Database (gnomAD). The available evidence is insufficient to determine the role of this variant in disease conclusively. Therefore, this variant is classified as a Variant of Uncertain Significance.

This study involves interpretation of variants in research participants for the purpose of population health screening. Participant phenotype was not available at the time of variant classification. Additional details can be found in publication PMID: 35346344, PMCID: PMC8962531

Ambry Genetics
Classification: Uncertain significance for Cardiovascular phenotype. Last evaluated: 2022-06-22. Review status: criteria provided, single submitter. Criteria: Ambry Variant Classification Scheme 2023. Collection method: clinical testing. Allele origin: germline.
Comment: The c.2424-5T>C intronic alteration consists of a T to C substitution 5 nucleotides before coding exon 20 in the MYH7 gene. Based on insufficient or conflicting evidence, the clinical significance of this alteration remains unclear.

Laboratory for Molecular Medicine, Mass General Brigham Personalized Medicine
Classification: Uncertain significance. Last evaluated: 2014-01-19. Review status: criteria provided, single submitter. Criteria: LMM Criteria. Collection method: clinical testing. Allele origin: germline. Observed: 1 variant allele.
Comment: proposed classification - variant undergoing re-assessment, contact laboratory

Literature cited by the submitters: PubMed 25611685 (cited by All of Us Research Program, National Institutes of Health).